The following is an entry in ClinVar:

NM_001267550.2(TTN):c.103019G>A (p.Gly34340Asp)

Genes: TTN-AS1 (TTN antisense RNA 1; plus strand), TTN (titin; minus strand). Cytogenetic location: 2q31.2.
Variant type: single nucleotide variant.
Coding change: c.103019G>A on transcript NM_001267550.2 (MANE Select); coding-DNA position 103019, G replaced by A.
Protein change: p.Gly34340Asp; replaces glycine 34340 with aspartic acid.
Molecular consequence: missense variant.
Genome position (GRCh38, 1-based): chr2:178,533,596, C>T on the plus strand (G>A on the coding strand, the complement: TTN is on the minus strand). VCF-style: chr2-178533596-C-T. GRCh37 (hg19) VCF-style: chr2-179398323-C-T.
Other names: c.98096G>A, p.Gly32699Asp (NM_001256850.1); c.75824G>A, p.Gly25275Asp (NM_003319.4); c.95315G>A, p.Gly31772Asp (NM_133378.4); c.76199G>A, p.Gly25400Asp (NM_133432.3); c.76400G>A, p.Gly25467Asp (NM_133437.4); short protein forms G25275D, G25400D, G25467D, G31772D, G32699D, G34340D.
Identifiers: ClinVar variation 1900488 (VCV001900488.5), dbSNP rs1211065675, ClinGen allele CA349415479.

ClinVar aggregate classification (germline): Uncertain significance (1 of 4 stars; one submission).

Conditions:
Dilated cardiomyopathy 1G (CMD1G). Identifiers: Orphanet 154, MedGen C1858763, MONDO:0011400, OMIM 604145.
Autosomal recessive limb-girdle muscular dystrophy type 2J (LGMDR10). Also called: Limb-girdle muscular dystrophy, type 2J; MUSCULAR DYSTROPHY, LIMB-GIRDLE, AUTOSOMAL RECESSIVE 10. Identifiers: Orphanet 140922, MedGen C1837342, MONDO:0012127, OMIM 608807.

Submission:

Labcorp Genetics (formerly Invitae), Labcorp
Classification: Uncertain significance for Dilated cardiomyopathy 1G; Autosomal recessive limb-girdle muscular dystrophy type 2J. Last evaluated: 2022-02-10. Review status: criteria provided, single submitter. Criteria: Invitae Variant Classification Sherloc (09022015). Collection method: clinical testing. Allele origin: germline.
Comment: Experimental studies and prediction algorithms are not available or were not evaluated, and the functional significance of this variant is currently unknown. This variant is located in the M band of TTN (PMID: 25589632). Variants in this region may be relevant for neuromuscular disorders, but have not been definitively shown to cause cardiomyopathy (PMID: 23975875). In summary, the available evidence is currently insufficient to determine the role of this variant in disease. Therefore, it has been classified as a Variant of Uncertain Significance. This variant has not been reported in the literature in individuals affected with TTN-related conditions. This variant is not present in population databases (gnomAD no frequency). This sequence change replaces glycine, which is neutral and non-polar, with aspartic acid, which is acidic and polar, at codon 34340 of the TTN protein (p.Gly34340Asp).

Literature cited by the submitters: PubMed 25589632; PubMed 23975875.